The following is an entry in ClinVar:

ClinVar aggregate classification (germline): Uncertain significance. Review status: criteria provided, multiple submitters, no conflicts (2 of 4 stars). 2 submissions from 2 submitters: Uncertain significance (2). Last evaluated 2025-03-07.

Conditions:
Hereditary cancer-predisposing syndrome. Also called: Neoplastic Syndromes, Hereditary; Tumor predisposition; Hereditary Cancer Syndrome; Hereditary neoplastic syndrome. Identifiers: Orphanet 140162, MedGen C0027672, MeSH D009386, MONDO:0015356.
Oligodontia-cancer predisposition syndrome. Also called: TOOTH AGENESIS-COLORECTAL CANCER SYNDROME. Identifiers: Orphanet 300576, MedGen C1837750, MONDO:0012075, OMIM 608615. Disease mechanism: loss of function.

Allele frequency attached by ClinVar (database versions not stated): gnomAD exomes below 0.00001.
gnomAD v4.1: 1 of 1,613,620 alleles (0.000062%); highest among the groups gnomAD compares: Non-Finnish European, 0.000085%; no homozygotes.

Submissions (2):

Ambry Genetics
Classification: Uncertain significance for Hereditary cancer-predisposing syndrome. Last evaluated: 2025-03-07. Review status: criteria provided, single submitter. Criteria: Ambry Variant Classification Scheme 2023. Collection method: clinical testing. Allele origin: germline.

Labcorp Genetics (formerly Invitae), Labcorp
Classification: Uncertain significance for Oligodontia-cancer predisposition syndrome. Last evaluated: 2025-01-29. Review status: criteria provided, single submitter. Criteria: Invitae Variant Classification Sherloc (09022015). Collection method: clinical testing. Allele origin: germline.
Comment: This sequence change replaces methionine, which is neutral and non-polar, with valine, which is neutral and non-polar, at codon 623 of the AXIN2 protein (p.Met623Val). This variant is not present in population databases (gnomAD no frequency). This variant has not been reported in the literature in individuals affected with AXIN2-related conditions. ClinVar contains an entry for this variant (Variation ID: 1026295). Invitae Evidence Modeling of protein sequence and biophysical properties (such as structural, functional, and spatial information, amino acid conservation, physicochemical variation, residue mobility, and thermodynamic stability) indicates that this missense variant is not expected to disrupt AXIN2 protein function with a negative predictive value of 80%. In summary, the available evidence is currently insufficient to determine the role of this variant in disease. Therefore, it has been classified as a Variant of Uncertain Significance.

NM_004655.4(AXIN2):c.1867A>G (p.Met623Val)

Gene: AXIN2 (axin 2; minus strand). Cytogenetic location: 17q24.1.
Variant type: single nucleotide variant.
Coding change: c.1867A>G on transcript NM_004655.4 (MANE Select); coding-DNA position 1867, A replaced by G.
Protein change: p.Met623Val; replaces methionine 623 with valine.
Molecular consequence: missense variant. On other transcripts: intron variant (1).
Genome position (GRCh38, 1-based): chr17:65,536,909, T>C on the plus strand (A>G on the coding strand, the complement: AXIN2 is on the minus strand). VCF-style: chr17-65536909-T-C. GRCh37 (hg19) VCF-style: chr17-63533027-T-C.
Other names: c.1867A>G (NM_004655.3); c.1713-356A>G (NM_001363813.1); short protein forms M623V.
Identifiers: ClinVar variation 1026295 (VCV001026295.9), dbSNP rs2043932180, ClinGen allele CA400676456.